The following is an entry in ClinVar:

ClinVar aggregate classification (germline): Uncertain significance (1 of 4 stars; one submission).

Conditions:
Intellectual disability, autosomal recessive 53 (NEDHSCA). Also called: NEURODEVELOPMENTAL DISORDER WITH OR WITHOUT HYPOTONIA, SEIZURES, AND CEREBELLAR ATROPHY; GLYCOSYLPHOSPHATIDYLINOSITOL BIOSYNTHESIS DEFECT 13; Mental retardation, autosomal recessive 53. Identifiers: Orphanet 488635, MedGen C4310794, MONDO:0014832, OMIM 616917.

Submission:

Labcorp Genetics (formerly Invitae), Labcorp
Classification: Uncertain significance for Intellectual disability, autosomal recessive 53. Last evaluated: 2022-01-14. Review status: criteria provided, single submitter. Criteria: Invitae Variant Classification Sherloc (09022015). Collection method: clinical testing. Allele origin: germline.
Comment: This variant has not been reported in the literature in individuals affected with PIGG-related conditions. In summary, the available evidence is currently insufficient to determine the role of this variant in disease. Therefore, it has been classified as a Variant of Uncertain Significance. Algorithms developed to predict the effect of missense changes on protein structure and function are either unavailable or do not agree on the potential impact of this missense change (SIFT: "Tolerated"; PolyPhen-2: "Probably Damaging"; Align-GVGD: "Class C0"). This variant is not present in population databases (gnomAD no frequency). This sequence change replaces tyrosine, which is neutral and polar, with serine, which is neutral and polar, at codon 579 of the PIGG protein (p.Tyr579Ser).

NM_001127178.3(PIGG):c.1736A>C (p.Tyr579Ser)

Gene: PIGG (phosphatidylinositol glycan anchor biosynthesis class G (EMM blood group); plus strand). Cytogenetic location: 4p16.3.
Variant type: single nucleotide variant.
Coding change: c.1736A>C on transcript NM_001127178.3 (MANE Select); coding-DNA position 1736, A replaced by C.
Protein change: p.Tyr579Ser; replaces tyrosine 579 with serine.
Molecular consequence: missense variant. On other transcripts: non-coding transcript variant (7).
Genome position (GRCh38, 1-based): chr4:523,580, A>C. VCF-style: chr4-523580-A-C. GRCh37 (hg19) VCF-style: chr4-517369-A-C.
Other names: c.1469A>C, p.Tyr490Ser (NM_001289051.2, NM_001345986.2); c.1337A>C, p.Tyr446Ser (NM_001289052.2); c.1445A>C, p.Tyr482Ser (NM_001345987.2); c.707A>C, p.Tyr236Ser (NM_001345988.2); c.203A>C, p.Tyr68Ser (NM_001345990.2, NM_001345991.2); c.638A>C, p.Tyr213Ser (NM_001345994.2); c.1712A>C, p.Tyr571Ser (NM_017733.5); short protein forms Y236S, Y490S, Y68S, Y446S, Y571S, Y579S, Y213S, Y482S.
Identifiers: ClinVar variation 1482393 (VCV001482393.6), dbSNP rs2108966234, ClinGen allele CA355906960.